The following is an entry in ClinVar:

NM_000274.4(OAT):c.1055T>C (p.Leu352Ser)

Gene: OAT (ornithine aminotransferase; minus strand). Cytogenetic location: 10q26.13.
Variant type: single nucleotide variant.
Coding change: c.1055T>C on transcript NM_000274.4 (MANE Select); coding-DNA position 1055, T replaced by C.
Protein change: p.Leu352Ser; replaces leucine 352 with serine.
Molecular consequence: missense variant.
Genome position (GRCh38, 1-based): chr10:124,400,944, A>G on the plus strand (T>C on the coding strand, the complement: OAT is on the minus strand). VCF-style: chr10-124400944-A-G. GRCh37 (hg19) VCF-style: chr10-126089513-A-G.
Other names: c.641T>C, p.Leu214Ser (NM_001171814.2); c.1055T>C, p.Leu352Ser (NM_001322965.2, NM_001322966.2, NM_001322967.2 and 3 more transcripts); c.734T>C, p.Leu245Ser (NM_001322971.2); c.455T>C, p.Leu152Ser (NM_001322974.2); short protein forms L245S, L352S, L214S, L152S.
Identifiers: ClinVar variation 1989242 (VCV001989242.4), dbSNP rs1032881888, ClinGen allele CA215245104.
Genomic context (GRCh38, chr10:124,400,944, plus strand): 5'-CTTACGGCAGTTACAACATCAGAAGGTAGCTTCATGAGTTCATTTCTCAAGATAATGCCC[A>G]ATTTGTCTGCATTTTCAGCAAGGTTTTCTTCTTCTAAAACCTACGTTTAAAGAAAAATTA-3'
Protein context (NP_000265.1, residues 342-362): EENLAENADK[Leu352Ser]GIILRNELMK

ClinVar aggregate classification (germline): Uncertain significance (1 of 4 stars; one submission).

Conditions:
Ornithine aminotransferase deficiency (GACR). Also called: HYPERORNITHINEMIA WITH GYRATE ATROPHY OF CHOROID AND RETINA; OAT DEFICIENCY; OKT DEFICIENCY; Ornithine ketoacid aminotransferase deficiency; Gyrate atrophy; Gyrate atrophy of choroid and retina. Identifiers: Orphanet 414, MedGen C0018425, MONDO:0009796, OMIM 258870.

Allele frequency attached by ClinVar (database versions not stated): TOPMed below 0.00001.
gnomAD v4.1: 1 of 1,611,444 alleles (0.000062%); highest among the groups gnomAD compares: Non-Finnish European, 0.000085%; no homozygotes.

Submission:

Labcorp Genetics (formerly Invitae), Labcorp
Classification: Uncertain significance for Ornithine aminotransferase deficiency. Last evaluated: 2023-12-11. Review status: criteria provided, single submitter. Criteria: Invitae Variant Classification Sherloc (09022015). Collection method: clinical testing. Allele origin: germline.
Comment: This sequence change replaces leucine, which is neutral and non-polar, with serine, which is neutral and polar, at codon 352 of the OAT protein (p.Leu352Ser). This variant is present in population databases (no rsID available, gnomAD 0.0009%). This variant has not been reported in the literature in individuals affected with OAT-related conditions. ClinVar contains an entry for this variant (Variation ID: 1989242). Advanced modeling of protein sequence and biophysical properties (such as structural, functional, and spatial information, amino acid conservation, physicochemical variation, residue mobility, and thermodynamic stability) performed at Invitae indicates that this missense variant is not expected to disrupt OAT protein function with a negative predictive value of 80%. In summary, the available evidence is currently insufficient to determine the role of this variant in disease. Therefore, it has been classified as a Variant of Uncertain Significance.